The following is an entry in ClinVar:

NM_001205293.3(CACNA1E):c.6399+6C>G

Gene: CACNA1E (calcium voltage-gated channel subunit alpha1 E; plus strand). Cytogenetic location: 1q25.3.
Variant type: single nucleotide variant.
Coding change: c.6399+6C>G on transcript NM_001205293.3 (MANE Select); 6 bases into the intron after coding-DNA position 6399, C replaced by G.
Molecular consequence: intron variant.
Genome position (GRCh38, 1-based): chr1:181,796,864, C>G. VCF-style: chr1-181796864-C-G. GRCh37 (hg19) VCF-style: chr1-181766000-C-G.
Other names: c.6270+6C>G (NM_000721.4); c.6213+6C>G (NM_001205294.2).
Identifiers: ClinVar variation 2578590 (VCV002578590.25), dbSNP rs368933098, ClinGen allele CA1009800959.

ClinVar aggregate classification (germline): Uncertain significance (1 of 4 stars; one submission).

gnomAD v4.1: 1 of 1,576,440 alleles (0.000063%); highest among the groups gnomAD compares: African/African-American, 0.0014%; no homozygotes.

Submission:

CeGaT Center for Human Genetics Tuebingen
Classification: Uncertain significance. Last evaluated: 2023-09-01. Review status: criteria provided, single submitter. Criteria: CeGaT Center For Human Genetics Tuebingen Variant Classification Criteria Version 2. Collection method: clinical testing. Allele origin: germline. Affected: yes. Observed: 1 variant allele.
Comment: CACNA1E: PM2, BP4, BP7